The following is an entry in ClinVar:

ClinVar aggregate classification (germline): Uncertain significance (1 of 4 stars; one submission).

Allele frequency attached by ClinVar (database versions not stated): gnomAD exomes below 0.00001; ExAC 0.00001.
gnomAD v4.1: 1 of 1,614,156 alleles (0.000062%); no homozygotes.

Submission:

GeneDx
Classification: Uncertain significance. Last evaluated: 2022-09-08. Review status: criteria provided, single submitter. Criteria: GeneDx Variant Classification Process June 2021. Collection method: clinical testing. Allele origin: germline. Affected: yes.
Comment: Not observed at significant frequency in large population cohorts (gnomAD); In silico analysis supports that this missense variant has a deleterious effect on protein structure/function; Has not been previously published as pathogenic or benign to our knowledge

NM_001083614.2(EARS2):c.1214T>C (p.Leu405Pro)

Gene: EARS2 (glutamyl-tRNA synthetase 2, mitochondrial; minus strand). Cytogenetic location: 16p12.2.
Variant type: single nucleotide variant.
Coding change: c.1214T>C on transcript NM_001083614.2 (MANE Select); coding-DNA position 1214, T replaced by C.
Protein change: p.Leu405Pro; replaces leucine 405 with proline.
Molecular consequence: missense variant. On other transcripts: non-coding transcript variant (1).
Genome position (GRCh38, 1-based): chr16:23,529,751, A>G on the plus strand (T>C on the coding strand, the complement: EARS2 is on the minus strand). VCF-style: chr16-23529751-A-G. GRCh37 (hg19) VCF-style: chr16-23541072-A-G.
Other names: c.1214T>C, p.Leu405Pro (NM_001308211.1, NM_133451.1); short protein forms L405P.
Identifiers: ClinVar variation 2443398 (VCV002443398.1), dbSNP rs768215716, ClinGen allele CA7962389.